The following is an entry in ClinVar:

NM_000548.5(TSC2):c.445A>G (p.Asn149Asp)

Gene: TSC2 (TSC complex subunit 2; plus strand). Cytogenetic location: 16p13.3.
Variant type: single nucleotide variant.
Coding change: c.445A>G on transcript NM_000548.5 (MANE Select); coding-DNA position 445, A replaced by G.
Protein change: p.Asn149Asp; replaces asparagine 149 with aspartic acid.
Molecular consequence: missense variant. On other transcripts: intron variant (1).
Genome position (GRCh38, 1-based): chr16:2,054,404, A>G. VCF-style: chr16-2054404-A-G. GRCh37 (hg19) VCF-style: chr16-2104405-A-G.
Other names: c.445A>G, p.Asn149Asp (NM_001077183.3, NM_001114382.3, NM_001363528.2 and 3 more transcripts); c.334A>G, p.Asn112Asp (NM_001318827.2); c.298A>G, p.Asn100Asp (NM_001318829.2); c.478A>G, p.Asn160Asp (NM_001318832.2); c.-1-1792A>G (NM_001318831.2); short protein forms N149D, N100D, N160D, N112D.
Identifiers: ClinVar variation 238050 (VCV000238050.13), dbSNP rs878854107, ClinGen allele CA10583282.
Genomic context (GRCh38, chr16:2,054,404, plus strand): 5'-GATTACCCTTCCAACGAAGACCTTCACGAAAGGCTGGAGGTTTTCAAGGCCCTCACAGAC[A>G]ATGGGAGACACATCACCTACTTGGAGGAAGAGCTGGGTGGGTGCCACCTTGGGTTGGAGG-3'
Protein context (NP_000539.2, residues 139-159): RLEVFKALTD[Asn149Asp]GRHITYLEEE

ClinVar aggregate classification (germline): Uncertain significance. Review status: criteria provided, multiple submitters, no conflicts (2 of 4 stars). 3 submissions from 3 submitters: Uncertain significance (3). Last evaluated 2026-04-21.

Conditions:
Hereditary cancer-predisposing syndrome. Also called: Hereditary neoplastic syndrome; Tumor predisposition; Hereditary Cancer Syndrome; Neoplastic Syndromes, Hereditary. Identifiers: Orphanet 140162, MedGen C0027672, MeSH D009386, MONDO:0015356.
Tuberous sclerosis 2 (TSC2). Identifiers: Orphanet 805, MedGen C1860707, MONDO:0013199, OMIM 613254.

Submissions (3):

GeneDx
Classification: Uncertain significance. Last evaluated: 2026-04-21. Review status: criteria provided, single submitter. Criteria: GeneDx Variant Classification Process June 2021. Collection method: clinical testing. Allele origin: germline.
Comment: Not observed at significant frequency in large population cohorts (gnomAD); In silico analysis supports that this missense variant has a deleterious effect on protein structure/function; Has not been previously published as pathogenic or benign to our knowledge; This variant is associated with the following publications: (PMID: 18466115)

Labcorp Genetics (formerly Invitae), Labcorp
Classification: Uncertain significance for Tuberous sclerosis 2. Last evaluated: 2025-08-03. Review status: criteria provided, single submitter. Criteria: Invitae Variant Classification Sherloc (09022015). Collection method: clinical testing. Allele origin: germline.
Comment: This sequence change replaces asparagine, which is neutral and polar, with aspartic acid, which is acidic and polar, at codon 149 of the TSC2 protein (p.Asn149Asp). This variant is not present in population databases (gnomAD no frequency). This variant has not been reported in the literature in individuals affected with TSC2-related conditions. ClinVar contains an entry for this variant (Variation ID: 238050). Invitae Evidence Modeling of protein sequence and biophysical properties (such as structural, functional, and spatial information, amino acid conservation, physicochemical variation, residue mobility, and thermodynamic stability) indicates that this missense variant is not expected to disrupt TSC2 protein function with a negative predictive value of 95%. In summary, the available evidence is currently insufficient to determine the role of this variant in disease. Therefore, it has been classified as a Variant of Uncertain Significance.

Ambry Genetics
Classification: Uncertain significance for Hereditary cancer-predisposing syndrome. Last evaluated: 2025-06-09. Review status: criteria provided, single submitter. Criteria: Ambry Variant Classification Scheme 2023. Collection method: clinical testing. Allele origin: germline.
Comment: The p.N149D variant (also known as c.445A>G), located in coding exon 4 of the TSC2 gene, results from an A to G substitution at nucleotide position 445. The asparagine at codon 149 is replaced by aspartic acid, an amino acid with highly similar properties. This amino acid position is well conserved in available vertebrate species. In addition, this alteration is predicted to be tolerated by in silico analysis. Based on the available evidence, the clinical significance of this variant remains unclear.